The following is an entry in ClinVar:

ClinVar aggregate classification (germline): Uncertain significance (1 of 4 stars; one submission).

Conditions:
Familial thoracic aortic aneurysm and aortic dissection (TAAD). Also called: Thoracic aortic aneurysms and dissections. Identifiers: Orphanet 91387, MedGen C4707243, MONDO:0019625.

Allele frequency attached by ClinVar (database versions not stated): gnomAD exomes below 0.00001.
gnomAD v4.1: 1 of 1,613,736 alleles (0.000062%); highest among the groups gnomAD compares: Non-Finnish European, 0.000085%; no homozygotes.

Submission:

Color Diagnostics, LLC DBA Color Health
Classification: Uncertain significance for Familial thoracic aortic aneurysm and aortic dissection. Last evaluated: 2021-03-08. Review status: criteria provided, single submitter. Criteria: ACMG Guidelines, 2015. Collection method: clinical testing. Allele origin: germline.
Comment: This variant causes a G to A nucleotide substitution at the +3 position of intron 42 of the FBN1 gene. To our knowledge, functional studies have not been reported for this variant. This variant has not been reported in individuals affected with cardiovascular disorders in the literature. This variant has not been identified in the general population by the Genome Aggregation Database (gnomAD). The available evidence is insufficient to determine the role of this variant in disease conclusively. Therefore, this variant is classified as a Variant of Uncertain Significance.

NM_000138.5(FBN1):c.5224+3G>A

Gene: FBN1 (fibrillin 1; minus strand). Cytogenetic location: 15q21.1.
Variant type: single nucleotide variant.
Coding change: c.5224+3G>A on transcript NM_000138.5 (MANE Select); 3 bases into the intron after coding-DNA position 5224, G replaced by A.
Molecular consequence: intron variant.
Genome position (GRCh38, 1-based): chr15:48,463,079, C>T on the plus strand (G>A on the coding strand, the complement: FBN1 is on the minus strand). VCF-style: chr15-48463079-C-T. GRCh37 (hg19) VCF-style: chr15-48755276-C-T.
Identifiers: ClinVar variation 1332516 (VCV001332516.2), dbSNP rs2141266479, ClinGen allele CA2573054031.
Genomic context (GRCh38, chr15:48,463,079, plus strand): 5'-CCCCAACAATTCATGGGTAATTTTTCAACCTATATTTTTGATAATGGAGAAACTAAAACT[C>T]ACCTGTACTTGGGATGGGACACTGTTCACAGGGCTTGTTCCACGCCCGGCCAATGTTGTA-3'